The following is an entry in ClinVar:

NM_001040458.3(ERAP1):c.1540G>A (p.Gly514Arg)

Gene: ERAP1 (endoplasmic reticulum aminopeptidase 1; minus strand). Cytogenetic location: 5q15.
Variant type: single nucleotide variant.
Coding change: c.1540G>A on transcript NM_001040458.3 (MANE Select); coding-DNA position 1540, G replaced by A.
Protein change: p.Gly514Arg; replaces glycine 514 with arginine.
Molecular consequence: missense variant.
Genome position (GRCh38, 1-based): chr5:96,788,670, C>T on the plus strand (G>A on the coding strand, the complement: ERAP1 is on the minus strand). VCF-style: chr5-96788670-C-T. GRCh37 (hg19) VCF-style: chr5-96124373-C-T.
Other names: c.1540G>A, p.Gly514Arg (NM_001198541.3, NM_001349244.2, NM_016442.5); short protein forms G514R.
Identifiers: ClinVar variation 790316 (VCV000790316.28), dbSNP rs78649652, ClinGen allele CA3352217.

ClinVar aggregate classification (germline): Benign/Likely benign. Review status: criteria provided, multiple submitters, no conflicts (2 of 4 stars). 3 submissions from 3 submitters: Benign (1); Likely benign (2). Last evaluated 2026-08-01.

Allele frequency attached by ClinVar (database versions not stated): 1000 Genomes Project 30x 0.00468; 1000 Genomes Project 0.00479; ExAC 0.00627; gnomAD exomes 0.00642 and 0.01003; gnomAD 0.00672 and 0.00679; TOPMed 0.00761; ESP Exome Variant Server 0.00830.
gnomAD v4.1: 15,641 of 1,614,098 alleles (0.97%); highest among the groups gnomAD compares: Non-Finnish European, 1.2%; 91 homozygotes.

Submissions (3):

CeGaT Center for Human Genetics Tuebingen
Classification: Benign. Last evaluated: 2026-08-01. Review status: criteria provided, single submitter. Criteria: CeGaT Center For Human Genetics Tuebingen Variant Classification Criteria Version 2. Collection method: clinical testing. Allele origin: germline. Affected: yes. Observed: 10 variant alleles.
Comment: ERAP1: BP4, BS1, BS2

Labcorp Genetics (formerly Invitae), Labcorp
Classification: Likely benign. Last evaluated: 2018-08-05. Review status: criteria provided, single submitter. Criteria: Invitae Variant Classification Sherloc (09022015). Collection method: clinical testing. Allele origin: germline.

Breakthrough Genomics
Classification: Likely benign. Review status: criteria provided, single submitter. Criteria: ACMG Guidelines, 2015. Collection method: not provided. Allele origin: germline. Inheritance: Unknown mechanism. Affected: yes.